The following is an entry in ClinVar:

ClinVar aggregate classification (germline): Uncertain significance (1 of 4 stars; one submission).

gnomAD v4.1: 2 of 1,586,178 alleles (0.00013%); highest among the groups gnomAD compares: African/African-American, 0.0027%; no homozygotes.

Submission:

GeneDx
Classification: Uncertain significance. Last evaluated: 2024-03-29. Review status: criteria provided, single submitter. Criteria: GeneDx Variant Classification Process June 2021. Collection method: clinical testing. Allele origin: germline. Affected: yes.
Comment: Not observed at significant frequency in large population cohorts (gnomAD); In silico analysis supports that this missense variant has a deleterious effect on protein structure/function; Has not been previously published in the germline as pathogenic or benign to our knowledge; This variant is associated with the following publications: (PMID: 36161330)

NM_017617.5(NOTCH1):c.4786C>T (p.Leu1596Phe)

Gene: NOTCH1 (notch receptor 1; minus strand). Cytogenetic location: 9q34.3.
Variant type: single nucleotide variant.
Coding change: c.4786C>T on transcript NM_017617.5 (MANE Select); coding-DNA position 4786, C replaced by T.
Protein change: p.Leu1596Phe; replaces leucine 1596 with phenylalanine.
Molecular consequence: missense variant.
Genome position (GRCh38, 1-based): chr9:136,504,905, G>A on the plus strand (C>T on the coding strand, the complement: NOTCH1 is on the minus strand). VCF-style: chr9-136504905-G-A. GRCh37 (hg19) VCF-style: chr9-139399357-G-A.
Other names: short protein forms L1596F.
Identifiers: ClinVar variation 3371732 (VCV003371732.1).